The following is an entry in ClinVar:

NM_001943.5(DSG2):c.1689del (p.Arg565fs)

Gene: DSG2 (desmoglein 2; plus strand). Cytogenetic location: 18q12.1.
Variant type: Deletion.
Coding change: c.1689del on transcript NM_001943.5 (MANE Select); coding-DNA position 1689, one base deleted (T; older notation c.1689delT).
Protein change: p.Arg565fs; shifts the reading frame from arginine 565.
Molecular consequence: frameshift variant.
Genome position (GRCh38, 1-based): chr18:31,538,788, T deleted; the last of 2 consecutive T bases (chr18:31,538,787-31,538,788); deleting either gives the same sequence. VCF-style (leftmost placement, unchanged base first): chr18-31538786-CT-C. GRCh37 (hg19) VCF-style: chr18-29118749-CT-C.
Other names: short protein forms R565fs.
Identifiers: ClinVar variation 2692970 (VCV002692970.3), dbSNP rs2510918902, ClinGen allele CA2697555387.
Genomic context (GRCh38, chr18:31,538,786, plus strand): 5'-TTCCTTCTGCCTCCCAACCTTGTAGGTACCAGTGTGCTGCTGCAACAAAGTGAGAAAAAG[CT>C]TGGGAGAAGTGAAATTCAGTTCCTGATTTCAGACAATCAGGGTTTTAGTTGTCCTGAAAA-3'

ClinVar aggregate classification (germline): Pathogenic (1 of 4 stars; one submission).

Conditions:
Arrhythmogenic right ventricular dysplasia 10. Also called: Arrhythmogenic Right Ventricular Dysplasia/Cardiomyopathy10; ARRHYTHMOGENIC RIGHT VENTRICULAR DYSPLASIA, FAMILIAL, 10; Arrhythmogenic right ventricular dysplasia/cardiomyopathy, type 10. Identifiers: MedGen C1857777, MONDO:0012434, OMIM 610193.

Submission:

Labcorp Genetics (formerly Invitae), Labcorp
Classification: Pathogenic for Arrhythmogenic right ventricular dysplasia 10. Last evaluated: 2023-11-03. Review status: criteria provided, single submitter. Criteria: Invitae Variant Classification Sherloc (09022015). Collection method: clinical testing. Allele origin: germline.
Comment: This sequence change creates a premature translational stop signal (p.Arg565Glufs*7) in the DSG2 gene. It is expected to result in an absent or disrupted protein product. Loss-of-function variants in DSG2 are known to be pathogenic (PMID: 17105751, 31386562). This variant is not present in population databases (gnomAD no frequency). This variant has not been reported in the literature in individuals affected with DSG2-related conditions. For these reasons, this variant has been classified as Pathogenic.

Literature cited by the submitters: PubMed 17105751; PubMed 31386562.